The following is an entry in ClinVar:

ClinVar aggregate classification (germline): Uncertain significance (1 of 4 stars; one submission).

gnomAD v4.1: 39 of 1,613,678 alleles (0.0024%); highest among the groups gnomAD compares: Non-Finnish European, 0.0019%; no homozygotes.

Submission:

Labcorp Genetics (formerly Invitae), Labcorp
Classification: Uncertain significance. Last evaluated: 2025-10-13. Review status: criteria provided, single submitter. Criteria: Invitae Variant Classification Sherloc (09022015). Collection method: clinical testing. Allele origin: germline.
Comment: This sequence change replaces alanine, which is neutral and non-polar, with threonine, which is neutral and polar, at codon 305 of the CCDC88C protein (p.Ala305Thr). This variant is present in population databases (rs755409670, gnomAD 0.01%). This variant has not been reported in the literature in individuals affected with CCDC88C-related conditions. ClinVar contains an entry for this variant (Variation ID: 3673860). An algorithm developed to predict the effect of missense changes on protein structure and function (PolyPhen-2) suggests that this variant is likely to be disruptive. In summary, the available evidence is currently insufficient to determine the role of this variant in disease. Therefore, it has been classified as a Variant of Uncertain Significance.

NM_001080414.4(CCDC88C):c.913G>A (p.Ala305Thr)

Gene: CCDC88C (coiled-coil and HOOK domain protein 88C; minus strand). Cytogenetic location: 14q32.11.
Variant type: single nucleotide variant.
Coding change: c.913G>A on transcript NM_001080414.4 (MANE Select); coding-DNA position 913, G replaced by A.
Protein change: p.Ala305Thr; replaces alanine 305 with threonine.
Molecular consequence: missense variant. On other transcripts: non-coding transcript variant (2).
Genome position (GRCh38, 1-based): chr14:91,338,142, C>T on the plus strand (G>A on the coding strand, the complement: CCDC88C is on the minus strand). VCF-style: chr14-91338142-C-T. GRCh37 (hg19) VCF-style: chr14-91804486-C-T.
Other names: short protein forms A305T.
Identifiers: ClinVar variation 3673860 (VCV003673860.2).